The following is an entry in ClinVar:

ClinVar aggregate classification (germline): Pathogenic (1 of 4 stars; one submission).

Conditions:
Ehlers-Danlos syndrome, classic type (cEDS). Identifiers: Orphanet 287, MedGen C4225429, MONDO:0007522.
Osteogenesis imperfecta type I (OI1). Also called: Lobstein disease; Osteogenesis imperfecta type 1; OI, TYPE I; OSTEOGENESIS IMPERFECTA TARDA; OSTEOGENESIS IMPERFECTA WITH BLUE SCLERAE; Lobstein's Disease. Identifiers: Orphanet 216796, Orphanet 666, MedGen C0023931, MONDO:0008146, OMIM 166200. Disease mechanism: loss of function.

Submission:

Labcorp Genetics (formerly Invitae), Labcorp
Classification: Pathogenic for Osteogenesis imperfecta type I; Ehlers-Danlos syndrome, type 1. Last evaluated: 2019-09-07. Review status: criteria provided, single submitter. Criteria: Invitae Variant Classification Sherloc (09022015). Collection method: clinical testing. Allele origin: germline.
Comment: This sequence change replaces glycine with arginine at codon 739 of the COL1A2 protein (p.Gly739Arg). The glycine residue is highly conserved and there is a moderate physicochemical difference between glycine and arginine. This variant is not present in population databases (ExAC no frequency). This variant has been observed in individual(s) affected with osteogenesis imperfecta (PMID: 17078022, Invitae). Glycine residues within the Gly-Xaa-Yaa repeats of the triple helix domain are required for the structure and stability of fibrillar collagens (PMID: 7695699, 8218237, 19344236). In COL1A2, missense variants at these glycine residues are significantly enriched in individuals with disease (PMID: 9016532, 17078022) compared to the general population (ExAC). For these reasons, this variant has been classified as Pathogenic.

Literature cited by the submitters: PubMed 19344236; PubMed 17078022; PubMed 8218237; PubMed 7695699; PubMed 9016532.

NM_000089.4(COL1A2):c.2215G>A (p.Gly739Arg)

Gene: COL1A2 (collagen type I alpha 2 chain; plus strand). Cytogenetic location: 7q21.3.
Variant type: single nucleotide variant.
Coding change: c.2215G>A on transcript NM_000089.4 (MANE Select); coding-DNA position 2215, G replaced by A.
Protein change: p.Gly739Arg; replaces glycine 739 with arginine.
Molecular consequence: missense variant.
Genome position (GRCh38, 1-based): chr7:94,420,568, G>A. VCF-style: chr7-94420568-G-A. GRCh37 (hg19) VCF-style: chr7-94049880-G-A.
Other names: short protein forms G739R.
Identifiers: ClinVar variation 934873 (VCV000934873.1), dbSNP rs72658174, ClinGen allele CA162935983.
Genomic context (GRCh38, chr7:94,420,568, plus strand): 5'-AATACCAGAGCTGTAACTGTTTATTTCCAACAGGGTGCTGCTGGTCAACCTGGTGCTAAA[G>A]GAGAAAGAGGAGCCAAAGGGCCTAAGGGTGAAAACGGTGTTGTTGGTCCCACAGGCCCCG-3'
Protein context (NP_000080.2, residues 729-749): AGAAGQPGAK[Gly739Arg]ERGAKGPKGE